The following is an entry in ClinVar:

NM_002528.7(NTHL1):c.232del (p.Val78fs)

Gene: NTHL1 (nth like DNA glycosylase 1; minus strand). Cytogenetic location: 16p13.3.
Variant type: Deletion.
Coding change: c.232del on transcript NM_002528.7 (MANE Select); coding-DNA position 232, one base deleted (G; older notation c.232delG).
Protein change: p.Val78fs; shifts the reading frame from valine 78.
Molecular consequence: frameshift variant. On other transcripts: intron variant (1).
Genome position (GRCh38, 1-based): chr16:2,046,250, C deleted on the plus strand (G on the coding strand, the reverse complement: NTHL1 is on the minus strand). VCF-style (leftmost placement, unchanged base first): chr16-2046249-AC-A. GRCh37 (hg19) VCF-style: chr16-2096250-AC-A.
Other names: c.232del, p.Val78fs (NM_001318193.2); c.24+30del (NM_001318194.2); short protein forms V78fs.
Identifiers: ClinVar variation 821502 (VCV000821502.11), dbSNP rs1314290585, ClinGen allele CA718909211.
Genomic context (GRCh38, chr16:2,046,249, plus strand): 5'-TTTTTGTTCCTCATGGCACGGATGTTGACCAGCTGTTGCTGCCAGTCCTGGGGCTCCCAG[AC>A]TGGCACCTTGAGGGGCTCAGCCCCCTCACCTTTCTCACTGTCCGAGCCCTCATAGGCCAC-3'

ClinVar aggregate classification (germline): Pathogenic/Likely pathogenic. Review status: criteria provided, multiple submitters, no conflicts (2 of 4 stars). 4 submissions from 4 submitters: Pathogenic (3); Likely pathogenic (1). Last evaluated 2025-11-13.

Conditions:
Hereditary cancer-predisposing syndrome. Also called: Tumor predisposition; Hereditary Cancer Syndrome; Hereditary neoplastic syndrome; Neoplastic Syndromes, Hereditary. Identifiers: Orphanet 140162, MedGen C0027672, MeSH D009386, MONDO:0015356.
Familial adenomatous polyposis 3. Also called: NTHL1-associated polyposis; NTHL1 Tumor Syndrome; NTHL1-Related Adenomatous Polyposis and Colorectal Cancer; NTHL1-related attenuated familial adenomatous polyposis. Identifiers: Orphanet 220460, Orphanet 454840, MedGen C4225157, MONDO:0014630, OMIM 616415.

Allele frequency attached by ClinVar (database versions not stated): gnomAD exomes below 0.00001; TOPMed below 0.00001.

Submissions (4):

Labcorp Genetics (formerly Invitae), Labcorp
Classification: Pathogenic. Last evaluated: 2025-11-13. Review status: criteria provided, single submitter. Criteria: Invitae Variant Classification Sherloc (09022015). Collection method: clinical testing. Allele origin: germline.
Comment: This sequence change creates a premature translational stop signal (p.Val86Serfs*17) in the NTHL1 gene. It is expected to result in an absent or disrupted protein product. Loss-of-function variants in NTHL1 are known to be pathogenic (PMID: 25938944, 26559593). This variant is not present in population databases (gnomAD no frequency). This variant has not been reported in the literature in individuals affected with NTHL1-related conditions. ClinVar contains an entry for this variant (Variation ID: 821502). For these reasons, this variant has been classified as Pathogenic.

Ambry Genetics
Classification: Pathogenic for Hereditary cancer-predisposing syndrome. Last evaluated: 2023-12-13. Review status: criteria provided, single submitter. Criteria: Ambry Variant Classification Scheme 2023. Collection method: clinical testing. Allele origin: germline.
Comment: The c.256delG pathogenic mutation, located in coding exon 2 of the NTHL1 gene, results from a deletion of one nucleotide at nucleotide position 256, causing a translational frameshift with a predicted alternate stop codon (p.V86Sfs*17). This variant is considered to be rare based on population cohorts in the Genome Aggregation Database (gnomAD). This alteration is expected to result in loss of function by premature protein truncation or nonsense-mediated mRNA decay. As such, this alteration is interpreted as a disease-causing mutation.

Baylor Genetics
Classification: Likely pathogenic for Familial adenomatous polyposis 3. Last evaluated: 2023-09-21. Review status: criteria provided, single submitter. Criteria: ACMG Guidelines, 2015. Collection method: clinical testing. Allele origin: unknown.

Myriad Genetics, Inc.
Classification: Pathogenic for Familial adenomatous polyposis 3. Last evaluated: 2023-04-26. Review status: criteria provided, single submitter. Criteria: Myriad Autosomal Dominant, Autosomal Recessive and X-Linked Classification Criteria (2023). Collection method: clinical testing. Allele origin: unknown.
Comment: This variant is considered pathogenic. This variant creates a frameshift predicted to result in premature protein truncation.

Literature cited by the submitters: PubMed 25938944 (cited by Labcorp Genetics (formerly Invitae), Labcorp); PubMed 26559593 (cited by Labcorp Genetics (formerly Invitae), Labcorp).